The following is an entry in ClinVar:

ClinVar aggregate classification (germline): Uncertain significance (1 of 4 stars; one submission).

Submission:

Labcorp Genetics (formerly Invitae), Labcorp
Classification: Uncertain significance. Last evaluated: 2025-01-13. Review status: criteria provided, single submitter. Criteria: Invitae Variant Classification Sherloc (09022015). Collection method: clinical testing. Allele origin: germline.
Comment: This sequence change replaces serine, which is neutral and polar, with leucine, which is neutral and non-polar, at codon 1729 of the LRP2 protein (p.Ser1729Leu). This variant is not present in population databases (gnomAD no frequency). This variant has not been reported in the literature in individuals affected with LRP2-related conditions. ClinVar contains an entry for this variant (Variation ID: 1978684). An algorithm developed to predict the effect of missense changes on protein structure and function (PolyPhen-2) suggests that this variant is likely to be disruptive. Algorithms developed to predict the effect of sequence changes on RNA splicing suggest that this variant may disrupt the consensus splice site. In summary, the available evidence is currently insufficient to determine the role of this variant in disease. Therefore, it has been classified as a Variant of Uncertain Significance.

NM_004525.3(LRP2):c.5186C>T (p.Ser1729Leu)

Gene: LRP2 (LDL receptor related protein 2; minus strand). Cytogenetic location: 2q31.1.
Variant type: single nucleotide variant.
Coding change: c.5186C>T on transcript NM_004525.3 (MANE Select); coding-DNA position 5186, C replaced by T.
Protein change: p.Ser1729Leu; replaces serine 1729 with leucine.
Molecular consequence: missense variant.
Genome position (GRCh38, 1-based): chr2:169,231,755, G>A on the plus strand (C>T on the coding strand, the complement: LRP2 is on the minus strand). VCF-style: chr2-169231755-G-A. GRCh37 (hg19) VCF-style: chr2-170088265-G-A.
Other names: short protein forms S1729L.
Identifiers: ClinVar variation 1978684 (VCV001978684.4), dbSNP rs2545863914, ClinGen allele CA349140468.
Genomic context (GRCh38, chr2:169,231,755, plus strand): 5'-CATAAGGAGCATACTATACCTCTCAAGCAATTCAGGAGATCAGGAGACAGACTCCATCCT[G>A]AAGGACAAACACAGGAGTAAAAATGAGGCCCCTGTGAGGAAAGCAGGCAGAGATGGCTGC-3'
Protein context (NP_004516.2, residues 1719-1739): GPHFYSCVCP[Ser1729Leu]GWSLSPDLLN